The following is an entry in ClinVar:

ClinVar aggregate classification (germline): Pathogenic (1 of 4 stars; one submission).
ClinVar aggregate classification (oncogenicity): Likely oncogenic (1 of 4 stars; one submission).

Conditions:
Neoplasm. Also called: tumor; Neoplasms; Neoplasm (disease). Identifiers: MedGen C0027651, MeSH D009369, MONDO:0005070, HP:0002664.

gnomAD v4.1: 6 of 1,614,110 alleles (0.00037%); highest among the groups gnomAD compares: Admixed American, 0.0017%; no homozygotes.

Submissions (2):

Center for Genomic Medicine, Rigshospitalet, Copenhagen University Hospital
Classification: Likely oncogenic for Neoplasm. Last evaluated: 2026-10-16. Review status: criteria provided, single submitter. Criteria: ClinGen/CGC/VICC Guidelines for Oncogenicity, 2022. Collection method: clinical testing. Allele origin: somatic. Affected: yes.

Labcorp Genetics (formerly Invitae), Labcorp
Classification: Pathogenic. Last evaluated: 2024-03-29. Review status: criteria provided, single submitter. Criteria: Invitae Variant Classification Sherloc (09022015). Collection method: clinical testing. Allele origin: germline.
Comment: This sequence change creates a premature translational stop signal (p.Gln417*) in the TET2 gene. It is expected to result in an absent or disrupted protein product. Loss-of-function variants in TET2 are known to be pathogenic (PMID: 36066697). This variant is not present in population databases (gnomAD no frequency). This variant has not been reported in the literature in individuals affected with TET2-related conditions. For these reasons, this variant has been classified as Pathogenic.

Literature cited by the submitters: PubMed 36066697 (cited by Labcorp Genetics (formerly Invitae), Labcorp).

NM_001127208.3(TET2):c.1249C>T (p.Gln417Ter)

Genes: TET2 (tet methylcytosine dioxygenase 2; plus strand), TET2-AS1 (TET2 antisense RNA 1; minus strand). Cytogenetic location: 4q24.
Variant type: single nucleotide variant.
Coding change: c.1249C>T on transcript NM_001127208.3 (MANE Select); coding-DNA position 1249, C replaced by T.
Protein change: p.Gln417Ter; replaces glutamine 417 with a stop codon.
Molecular consequence: nonsense.
Genome position (GRCh38, 1-based): chr4:105,235,191, C>T. VCF-style: chr4-105235191-C-T. GRCh37 (hg19) VCF-style: chr4-106156348-C-T.
Other names: c.1249C>T, p.Gln417Ter (NM_017628.4); short protein forms Q417*.
Identifiers: ClinVar variation 3696786 (VCV003696786.3).